The following is an entry in ClinVar:

ClinVar aggregate classification (germline): Uncertain significance (1 of 4 stars; one submission).

Submission:

CeGaT Center for Human Genetics Tuebingen
Classification: Uncertain significance. Last evaluated: 2026-08-01. Review status: criteria provided, single submitter. Criteria: CeGaT Center For Human Genetics Tuebingen Variant Classification Criteria Version 2. Collection method: clinical testing. Allele origin: germline. Affected: yes. Observed: 2 variant alleles.
Comment: YEATS2: PM2

NM_018023.5(YEATS2):c.38C>G (p.Pro13Arg)

Gene: YEATS2 (YEATS domain containing 2; plus strand). Cytogenetic location: 3q27.1.
Variant type: single nucleotide variant.
Coding change: c.38C>G on transcript NM_018023.5 (MANE Select); coding-DNA position 38, C replaced by G.
Protein change: p.Pro13Arg; replaces proline 13 with arginine.
Molecular consequence: missense variant.
Genome position (GRCh38, 1-based): chr3:183,715,200, C>G. VCF-style: chr3-183715200-C-G. GRCh37 (hg19) VCF-style: chr3-183432988-C-G.
Other names: c.38C>G, p.Pro13Arg (NM_001351369.2, NM_001351370.2, NM_001351371.2); short protein forms P13R.
Identifiers: ClinVar variation 5040336 (VCV005040336.1).
Genomic context (GRCh38, chr3:183,715,200, plus strand): 5'-ACAGTGAAGAACTGAATGTCATCATGTCTGGAATCAAGCGAACCATCAAAGAAACCGACC[C>G]TGATTACGAGGATGTATCTGTGGCCCTTCCAAATAAGCGGCATAAAGCAATTGAGAATTC-3'
Protein context (NP_060493.3, residues 3-23): GIKRTIKETD[Pro13Arg]DYEDVSVALP